The following is an entry in ClinVar:

ClinVar aggregate classification (germline): Uncertain significance. Review status: criteria provided, multiple submitters, no conflicts (2 of 4 stars). 2 submissions from 2 submitters: Uncertain significance (2). Last evaluated 2019-01-18.

Conditions:
Leukocyte adhesion deficiency 3. Also called: Leukocyte adhesion deficiency, type III; INTEGRIN ACTIVATION DEFICIENCY DISEASE; LEUKOCYTE ADHESION DEFICIENCY 1 VARIANT. Identifiers: Orphanet 2968, Orphanet 99844, MedGen C2748536, MONDO:0013016, OMIM 612840.

Submissions (2):

Labcorp Genetics (formerly Invitae), Labcorp
Classification: Uncertain significance for Leukocyte adhesion deficiency 3. Last evaluated: 2019-01-18. Review status: criteria provided, single submitter. Criteria: Invitae Variant Classification Sherloc (09022015). Collection method: clinical testing. Allele origin: germline.
Comment: In summary, the available evidence is currently insufficient to determine the role of this variant in disease. Therefore, it has been classified as a Variant of Uncertain Significance. Algorithms developed to predict the effect of missense changes on protein structure and function are either unavailable or do not agree on the potential impact of this missense change (SIFT: "Deleterious"; PolyPhen-2: "Benign"; Align-GVGD: "Class C0"). This variant has not been reported in the literature in individuals with FERMT3-related conditions. This variant is not present in population databases (ExAC no frequency). This sequence change replaces arginine with leucine at codon 179 of the FERMT3 protein (p.Arg179Leu). The arginine residue is moderately conserved and there is a moderate physicochemical difference between arginine and leucine.

Blueprint Genetics
Classification: Uncertain significance. Last evaluated: 2018-09-12. Review status: criteria provided, single submitter. Criteria: ACMG Guidelines, 2015. Collection method: clinical testing. Allele origin: germline.

NM_031471.6(FERMT3):c.536G>T (p.Arg179Leu)

Gene: FERMT3 (FERM domain containing kindlin 3; plus strand). Cytogenetic location: 11q13.1.
Variant type: single nucleotide variant.
Coding change: c.536G>T on transcript NM_031471.6 (MANE Select); coding-DNA position 536, G replaced by T.
Protein change: p.Arg179Leu; replaces arginine 179 with leucine.
Molecular consequence: missense variant. On other transcripts: 5 prime UTR variant (2).
Genome position (GRCh38, 1-based): chr11:64,211,296, G>T. VCF-style: chr11-64211296-G-T. GRCh37 (hg19) VCF-style: chr11-63978768-G-T.
Other names: c.536G>T, p.Arg179Leu (NM_001382361.1, NM_001382362.1, NM_001382448.1 and 1 more transcripts); c.-5G>T (NM_001382363.1, NM_001382364.1); short protein forms R179L.
Identifiers: ClinVar variation 855910 (VCV000855910.9), dbSNP rs778967874, ClinGen allele CA223836842.